The following is an entry in ClinVar:

ClinVar aggregate classification (germline): Likely benign (1 of 4 stars; one submission).

gnomAD v4.1: 7 of 1,259,672 alleles (0.00056%); highest among the groups gnomAD compares: Admixed American, 0.0031%; no homozygotes.

Submission:

Mayo Clinic Laboratories, Mayo Clinic
Classification: Likely benign. Last evaluated: 2025-03-26. Review status: criteria provided, single submitter. Criteria: ACMG Guidelines, 2015. Collection method: clinical testing. Allele origin: germline. Observed: 1 variant allele.
Comment: BP4, BP7, PM2_supporting

NM_001142864.4(PIEZO1):c.3066G>T (p.Leu1022=)

Genes: HSALR1 (HSP90AB1 associated lncRNA 1; plus strand), PIEZO1 (piezo type mechanosensitive ion channel component 1 (Er blood group); minus strand). Cytogenetic location: 16q24.3.
Variant type: single nucleotide variant.
Coding change: c.3066G>T on transcript NM_001142864.4 (MANE Select); coding-DNA position 3066, G replaced by T.
Protein change: p.Leu1022=; no amino-acid change (leucine 1022 retained).
Molecular consequence: synonymous variant.
Genome position (GRCh38, 1-based): chr16:88,731,836, C>A on the plus strand (G>T on the coding strand, the complement: PIEZO1 is on the minus strand). VCF-style: chr16-88731836-C-A. GRCh37 (hg19) VCF-style: chr16-88798244-C-A.
Other names: p.Leu1022=.
Identifiers: ClinVar variation 4684147 (VCV004684147.1).
Genomic context (GRCh38, chr16:88,731,836, plus strand): 5'-GCAGTAGTTGGGCCAGAGGCGGGCAATGGCCTGGCGGTGCCTGCGGGTGAGGATGGCCAC[C>A]AGCCAGCAACCGTGCAGGGTCACCAGAAAGTTCATGCGCTGCCCGATCACGTTCACGGCC-3'
Protein context (NP_001136336.2, residues 1012-1032): NFLVTLHGCW[Leu1022=]VAILTRRHRQ